The following is an entry in ClinVar:

NM_000535.7(PMS2):c.804-26G>T

Gene: PMS2 (PMS1 homolog 2, mismatch repair system component; minus strand). Cytogenetic location: 7p22.1.
Variant type: single nucleotide variant.
Coding change: c.804-26G>T on transcript NM_000535.7 (MANE Select); 26 bases into the intron before coding-DNA position 804, G replaced by T.
Molecular consequence: intron variant.
Genome position (GRCh38, 1-based): chr7:5,995,659, C>A on the plus strand (G>T on the coding strand, the complement: PMS2 is on the minus strand). VCF-style: chr7-5995659-C-A. GRCh37 (hg19) VCF-style: chr7-6035290-C-A.
Other names: c.486-26G>T (NM_001322008.2, NM_001406902.1, NM_001406883.1 and 4 more transcripts); c.495-26G>T (NM_001406881.1, NM_001406879.1, NM_001322015.2 and 6 more transcripts); c.399-26G>T (NM_001406895.1, NM_001322010.2, NM_001322004.2 and 19 more transcripts); c.133-3602G>T (NM_001406911.1); c.291-26G>T (NM_001406904.1, NM_001406905.1); c.231-26G>T (NM_001322013.2, NM_001406909.1); c.-130-26G>T (NM_001322012.2, NM_001322011.2); c.468-26G>T (NM_001406885.1); and 8 more.
Identifiers: ClinVar variation 3903999 (VCV003903999.1).

ClinVar aggregate classification (germline): Benign (1 of 4 stars; one submission).

Conditions:
Lynch syndrome 4 (LYNCH4). Also called: Colorectal cancer, hereditary nonpolyposis, type 4; Hereditary non-polyposis colorectal cancer, type 4. Identifiers: Orphanet 144, MedGen C1838333, MONDO:0013699, OMIM 614337. Disease mechanism: loss of function.

gnomAD v4.1: 1 of 1,470,754 alleles (0.000068%); highest among the groups gnomAD compares: Non-Finnish European, 0.000095%; no homozygotes.

Submission:

Myriad Genetics, Inc.
Classification: Benign for Lynch syndrome 4. Last evaluated: 2025-01-28. Review status: criteria provided, single submitter. Criteria: Myriad Autosomal Dominant, Autosomal Recessive and X-Linked Classification Criteria (2023). Collection method: clinical testing. Allele origin: unknown.
Comment: This variant is considered benign. This variant is intronic and is not expected to impact mRNA splicing.